The following is an entry in ClinVar:

NM_000243.3(MEFV):c.590dup (p.Gln198fs)

Gene: MEFV (MEFV innate immunity regulator, pyrin; minus strand). Cytogenetic location: 16p13.3.
Variant type: Duplication.
Coding change: c.590dup on transcript NM_000243.3 (MANE Select); coding-DNA position 590, one base duplicated (G; older notation c.590dupG).
Protein change: p.Gln198fs; shifts the reading frame from glutamine 198.
Molecular consequence: frameshift variant. On other transcripts: intron variant (1).
Genome position (GRCh38, 1-based): chr16:3,254,478, C duplicated on the plus strand (G on the coding strand, the reverse complement: MEFV is on the minus strand); the first of 6 consecutive C bases (chr16:3,254,478-3,254,483); duplicating any one gives the same sequence. VCF-style (leftmost placement, unchanged base first): chr16-3254477-G-GC. GRCh37 (hg19) VCF-style: chr16-3304477-G-GC.
Other names: c.590dupG (NM_000243.3); c.277+1833dup (NM_001198536.2); short protein forms Q198fs.
Identifiers: ClinVar variation 4847517 (VCV004847517.1).

ClinVar aggregate classification (germline): Uncertain significance (1 of 4 stars; one submission).

Submission:

Women's Health and Genetics/Laboratory Corporation of America, LabCorp
Classification: Uncertain significance. Last evaluated: 2026-03-03. Review status: criteria provided, single submitter. Criteria: LabCorp Variant Classification Summary - May 2015. Collection method: clinical testing. Allele origin: germline.
Comment: Variant summary: MEFV c.590dupG (p.Gln198ProfsX44) results in a premature termination codon, predicted to cause a truncation of the encoded protein or absence of the protein due to nonsense mediated decay, however current evidence is not sufficient to establish loss of function as a mechanism for disease. The variant was absent in 212660 control chromosomes. The available data on variant occurrences in the general population are insufficient to allow any conclusion about variant significance. To our knowledge, no occurrence of c.590dupG in individuals affected with MEFV-related conditions and no experimental evidence demonstrating its impact on protein function have been reported. No submitters have cited clinical-significance assessments for this variant to ClinVar. Based on the evidence outlined above, the variant was classified as uncertain significance.